The following is an entry in ClinVar:

ClinVar aggregate classification (germline): Uncertain significance (1 of 4 stars; one submission).

Conditions:
Arrhythmogenic right ventricular dysplasia 8 (ARVD8). Also called: ARRHYTHMOGENIC RIGHT VENTRICULAR DYSPLASIA, FAMILIAL, 8; ARRHYTHMOGENIC RIGHT VENTRICULAR CARDIOMYOPATHY 8; Arrhythmogenic Right Ventricular Dysplasia/Cardiomyopathy 8. Identifiers: MedGen C1843896, MONDO:0011831, OMIM 607450.
Arrhythmogenic cardiomyopathy with wooly hair and keratoderma. Also called: Dilated cardiomyopathy with woolly hair and keratoderma; Arrhythmogenic cardiomyopathy with woolly hair and keratoderma; PALMOPLANTAR KERATODERMA WITH LEFT VENTRICULAR CARDIOMYOPATHY AND WOOLLY HAIR; Carvajal syndrome. Identifiers: Orphanet 65282, MedGen C1854063, MONDO:0011581, OMIM 605676.

Submission:

Labcorp Genetics (formerly Invitae), Labcorp
Classification: Uncertain significance for Arrhythmogenic cardiomyopathy with wooly hair and keratoderma; Arrhythmogenic right ventricular dysplasia 8. Last evaluated: 2025-05-01. Review status: criteria provided, single submitter. Criteria: Invitae Variant Classification Sherloc (09022015). Collection method: clinical testing. Allele origin: germline.
Comment: This variant, c.8453_8455del, results in the deletion of 1 amino acid(s) of the DSP protein (p.Asn2818del), but otherwise preserves the integrity of the reading frame. This variant is not present in population databases (gnomAD no frequency). This variant has not been reported in the literature in individuals affected with DSP-related conditions. Experimental studies and prediction algorithms are not available or were not evaluated, and the functional significance of this variant is currently unknown. In summary, the available evidence is currently insufficient to determine the role of this variant in disease. Therefore, it has been classified as a Variant of Uncertain Significance.

NM_004415.4(DSP):c.8450ACA[1] (p.Asn2818del)

Gene: DSP (desmoplakin; plus strand). Cytogenetic location: 6p24.3.
Variant type: Microsatellite.
Coding change: c.8450ACA[1] on transcript NM_004415.4 (MANE Select); one copy of the 3-base unit ACA starting at c.8450; the reference has two copies in a row; one copy, 3 bases deleted.
Protein change: p.Asn2818del; deletes asparagine 2818.
Molecular consequence: inframe deletion.
Genome position (GRCh38, 1-based): chr6:7,585,715-7,585,717, ACA deleted; deleting any 3 consecutive bases within chr6:7,585,712-7,585,717 gives the same sequence; the position shown is the placement nearest the transcript's 3' end. VCF-style (leftmost placement, unchanged base first): chr6-7585711-TACA-T. GRCh37 (hg19) VCF-style: chr6-7585944-TACA-T.
Other names: c.6653ACA[1], p.Asn2219del (NM_001008844.3); c.7121ACA[1], p.Asn2375del (NM_001319034.2); short protein forms N2219del, N2818del, N2375del.
Identifiers: ClinVar variation 1951993 (VCV001951993.5), dbSNP rs2533951882, ClinGen allele CA2578524531.